The following is an entry in ClinVar:

NM_000209.4(PDX1):c.732C>G (p.Pro244=)

Gene: PDX1 (pancreatic and duodenal homeobox 1; plus strand). Cytogenetic location: 13q12.2.
Variant type: single nucleotide variant.
Coding change: c.732C>G on transcript NM_000209.4 (MANE Select); coding-DNA position 732, C replaced by G.
Protein change: p.Pro244=; no amino-acid change (proline 244 retained).
Molecular consequence: synonymous variant.
Genome position (GRCh38, 1-based): chr13:27,924,581, C>G. VCF-style: chr13-27924581-C-G. GRCh37 (hg19) VCF-style: chr13-28498718-C-G.
Identifiers: ClinVar variation 390803 (VCV000390803.55), dbSNP rs777512281, ClinGen allele CA6927719.
Genomic context (GRCh38, chr13:27,924,581, plus strand): 5'-GCAGGACTGCGCCGTGACCTCCGGCGAGGAGCTTCTGGCGCTGCCGCCGCCGCCGCCCCC[C>G]GGAGGTGCTGTGCCGCCCGCTGCCCCCGTTGCCGCCCGAGAGGGCCGCCTGCCGCCTGGC-3'
Protein context (NP_000200.1, residues 234-254): ELLALPPPPP[Pro244=]GGAVPPAAPV

ClinVar aggregate classification (germline): Benign/Likely benign. Review status: criteria provided, multiple submitters, no conflicts (2 of 4 stars). 8 submissions from 8 submitters: Benign (1); Likely benign (5). 2 of the submissions do not count toward it. Last evaluated 2025-06-22.

Conditions:
Maturity-onset diabetes of the young (MODY). Also called: Maturity onset diabetes mellitus in young. Identifiers: Orphanet 552, MedGen C0342276, MONDO:0018911, HP:0004904.

Allele frequency attached by ClinVar (database versions not stated): 1000 Genomes Project 30x 0.00016; gnomAD 0.00016; gnomAD exomes 0.00023 and 0.00036; ExAC 0.00034; TOPMed 0.00036.
gnomAD v4.1: 511 of 1,503,956 alleles (0.034%); highest among the groups gnomAD compares: Non-Finnish European, 0.043%; no homozygotes.

Submissions (8):

Labcorp Genetics (formerly Invitae), Labcorp
Classification: Likely benign. Last evaluated: 2025-06-22. Review status: criteria provided, single submitter. Criteria: Invitae Variant Classification Sherloc (09022015). Collection method: clinical testing. Allele origin: germline.

Women's Health and Genetics/Laboratory Corporation of America, LabCorp
Classification: Benign. Last evaluated: 2024-12-06. Review status: criteria provided, single submitter. Criteria: LabCorp Variant Classification Summary - May 2015. Collection method: clinical testing. Allele origin: germline.

Blueprint Genetics
Classification: Likely benign. Last evaluated: 2024-11-07. Review status: criteria provided, single submitter. Criteria: ACMG Guidelines, 2015. Collection method: clinical testing. Allele origin: germline.

Ambry Genetics
Classification: Likely benign for Maturity-onset diabetes of the young. Last evaluated: 2019-03-09. Review status: criteria provided, single submitter. Criteria: Ambry Variant Classification Scheme 2023. Collection method: clinical testing. Allele origin: germline.

GeneDx
Classification: Likely benign. Last evaluated: 2018-10-18. Review status: criteria provided, single submitter. Criteria: GeneDx Variant Classification Process June 2021. Collection method: clinical testing. Allele origin: germline. Affected: yes.
Comment: This variant is associated with the following publications: (PMID: 23320570)

CeGaT Center for Human Genetics Tuebingen
Classification: Likely benign. Last evaluated: 2018-06-01. Review status: criteria provided, single submitter. Criteria: CeGaT Center For Human Genetics Tuebingen Variant Classification Criteria Version 2. Collection method: clinical testing. Allele origin: germline. Affected: yes. Observed: 1 variant allele.

Clinical Genetics DNA and cytogenetics Diagnostics Lab, Erasmus MC, Erasmus Medical Center
Classification: Likely benign. Review status: no assertion criteria provided. Collection method: clinical testing. Allele origin: germline. Affected: yes. Study: VKGL Data-share Consensus. Not counted in ClinVar's aggregate classification.

Laboratory of Diagnostic Genome Analysis, Leiden University Medical Center (LUMC)
Classification: Likely benign. Review status: no assertion criteria provided. Collection method: clinical testing. Allele origin: germline. Affected: yes. Study: VKGL Data-share Consensus. Not counted in ClinVar's aggregate classification.

Literature cited by the submitters: PubMed 17592437 (cited by Women's Health and Genetics/Laboratory Corporation of America, LabCorp).